The following is an entry in ClinVar:

ClinVar aggregate classification (germline): Conflicting classifications of pathogenicity. Review status: criteria provided, conflicting classifications (1 of 4 stars). 5 submissions from 2 submitters: Uncertain significance (1); Benign (2); Likely benign (2). Last evaluated 2023-04-01.

Conditions:
Multiple endocrine neoplasia. Identifiers: Orphanet 276161, MedGen C0027662, MONDO:0017169.
Renal hypodysplasia/aplasia 1 (RHDA1). Also called: RENAL APLASIA; HEREDITARY RENAL APLASIA. Identifiers: Orphanet 411709, MedGen C1619700, MONDO:0024519, OMIM 191830.
Hirschsprung disease, susceptibility to, 1 (HSCR1). Also called: RET-Related Hirschsprung Disease. Identifiers: Orphanet 388, MedGen C3888239, MONDO:0007723, OMIM 142623.
Pheochromocytoma. Also called: MAX-Related Hereditary Paraganglioma-Pheochromocytoma Syndrome. Identifiers: Orphanet 29072, MedGen C0031511, MONDO:0008233, OMIM 171300, HP:0002666.

Allele frequency attached by ClinVar (database versions not stated): TOPMed 0.00096; gnomAD 0.00112 and 0.00129; 1000 Genomes Project 0.00140; 1000 Genomes Project 30x 0.00141; gnomAD exomes 0.00162.

Submissions (5):

CeGaT Center for Human Genetics Tuebingen
Classification: Likely benign. Last evaluated: 2023-04-01. Review status: criteria provided, single submitter. Criteria: CeGaT Center For Human Genetics Tuebingen Variant Classification Criteria Version 2. Collection method: clinical testing. Allele origin: germline. Affected: yes. Observed: 3 variant alleles.
Comment: RET: BS1

Illumina Laboratory Services, Illumina
Classification: Benign for Multiple endocrine neoplasia. Last evaluated: 2018-01-12. Review status: criteria provided, single submitter. Criteria: ICSL Variant Classification Criteria 13 December 2019. Collection method: clinical testing. Allele origin: germline.
Comment: This variant was observed in the ICSL laboratory as part of a predisposition screen in an ostensibly healthy population. It had not been previously curated by ICSL or reported in the Human Gene Mutation Database (HGMD: prior to June 1st, 2018), and was therefore a candidate for classification through an automated scoring system. Utilizing variant allele frequency, disease prevalence and penetrance estimates, and inheritance mode, an automated score was calculated to assess if this variant is too frequent to cause the disease. Based on the score and internal cut-off values, a variant classified as benign is not then subjected to further curation. The score for this variant resulted in a classification of benign for this disease.

Illumina Laboratory Services, Illumina
Classification: Benign for Pheochromocytoma. Last evaluated: 2018-01-12. Review status: criteria provided, single submitter. Criteria: ICSL Variant Classification Criteria 13 December 2019. Collection method: clinical testing. Allele origin: germline.
Comment: the same text as in the submission from Illumina Laboratory Services, Illumina above.

Illumina Laboratory Services, Illumina
Classification: Uncertain significance for Renal hypodysplasia/aplasia 1. Last evaluated: 2018-01-12. Review status: criteria provided, single submitter. Criteria: ICSL Variant Classification Criteria 13 December 2019. Collection method: clinical testing. Allele origin: germline.

Illumina Laboratory Services, Illumina
Classification: Likely benign for Hirschsprung disease, susceptibility to, 1. Last evaluated: 2018-01-12. Review status: criteria provided, single submitter. Criteria: ICSL Variant Classification Criteria 13 December 2019. Collection method: clinical testing. Allele origin: germline.
Comment: This variant was observed in the ICSL laboratory as part of a predisposition screen in an ostensibly healthy population. It had not been previously curated by ICSL or reported in the Human Gene Mutation Database (HGMD: prior to June 1st, 2018), and was therefore a candidate for classification through an automated scoring system. Utilizing variant allele frequency, disease prevalence and penetrance estimates, and inheritance mode, an automated score was calculated to assess if this variant is too frequent to cause the disease. Based on the score and internal cut-off values, a variant classified as likely benign is not then subjected to further curation. The score for this variant resulted in a classification of likely benign for this disease.

NM_020975.6(RET):c.*1130A>G

Gene: RET (ret proto-oncogene; plus strand). Cytogenetic location: 10q11.21.
Variant type: single nucleotide variant.
Coding change: c.*1130A>G on transcript NM_020975.6 (MANE Select); 1130 bases downstream of the stop codon, A replaced by G.
Molecular consequence: 3 prime UTR variant.
Genome position (GRCh38, 1-based): chr10:43,129,399, A>G. VCF-style: chr10-43129399-A-G. GRCh37 (hg19) VCF-style: chr10-43624847-A-G.
Other names: c.*1130A>G (LRG_518t1).
Identifiers: ClinVar variation 299926 (VCV000299926.33), dbSNP rs572936041, ClinGen allele CA10628579.